The following is an entry in ClinVar:

NM_025207.5(FLAD1):c.1339C>T (p.Gln447Ter)

Gene: FLAD1 (flavin adenine dinucleotide synthetase 1; plus strand). Cytogenetic location: 1q21.3.
Variant type: single nucleotide variant.
Coding change: c.1339C>T on transcript NM_025207.5 (MANE Select); coding-DNA position 1339, C replaced by T.
Protein change: p.Gln447Ter; replaces glutamine 447 with a stop codon.
Molecular consequence: nonsense.
Genome position (GRCh38, 1-based): chr1:154,990,232, C>T. VCF-style: chr1-154990232-C-T. GRCh37 (hg19) VCF-style: chr1-154962708-C-T.
Other names: c.1048C>T, p.Gln350Ter (NM_001184891.2, NM_201398.3); short protein forms Q350*, Q447*.
Identifiers: ClinVar variation 1921537 (VCV001921537.5), dbSNP rs1466009259, ClinGen allele CA342751770.

ClinVar aggregate classification (germline): Pathogenic (1 of 4 stars; one submission).

Allele frequency attached by ClinVar (database versions not stated): gnomAD 0.00001.
gnomAD v4.1: 7 of 1,614,032 alleles (0.00043%); highest among the groups gnomAD compares: Admixed American, 0.01%; no homozygotes.

Submission:

Labcorp Genetics (formerly Invitae), Labcorp
Classification: Pathogenic. Last evaluated: 2022-10-04. Review status: criteria provided, single submitter. Criteria: Invitae Variant Classification Sherloc (09022015). Collection method: clinical testing. Allele origin: germline.
Comment: This sequence change creates a premature translational stop signal (p.Gln447*) in the FLAD1 gene. It is expected to result in an absent or disrupted protein product. Loss-of-function variants in FLAD1 are known to be pathogenic (PMID: 27259049). This variant is present in population databases (no rsID available, gnomAD 0.01%). This variant has not been reported in the literature in individuals affected with FLAD1-related conditions. Algorithms developed to predict the effect of sequence changes on RNA splicing suggest that this variant may disrupt the consensus splice site. For these reasons, this variant has been classified as Pathogenic.

Literature cited by the submitters: PubMed 27259049.